The following is an entry in ClinVar:

ClinVar aggregate classification (germline): Uncertain significance. Review status: criteria provided, multiple submitters, no conflicts (2 of 4 stars). 2 submissions from 2 submitters: Uncertain significance (2). Last evaluated 2024-07-16.

Conditions:
Cataract 36. Identifiers: MedGen C3151304, MONDO:0013484, OMIM 613887.

Allele frequency attached by ClinVar (database versions not stated): gnomAD 0.00015 and 0.00016; TOPMed 0.00018; ESP Exome Variant Server 0.00038.
gnomAD v4.1: 481 of 1,613,704 alleles (0.03%); highest among the groups gnomAD compares: Non-Finnish European, 0.039%; no homozygotes.

Submissions (2):

GeneDx
Classification: Uncertain significance. Last evaluated: 2024-07-16. Review status: criteria provided, single submitter. Criteria: GeneDx Variant Classification Process June 2021. Collection method: clinical testing. Allele origin: germline. Affected: yes.
Comment: In silico analysis supports that this missense variant has a deleterious effect on protein structure/function; Has not been previously published as pathogenic or benign to our knowledge

Illumina Laboratory Services, Illumina
Classification: Uncertain significance for Cataract 36. Last evaluated: 2018-01-13. Review status: criteria provided, single submitter. Criteria: ICSL Variant Classification Criteria 13 December 2019. Collection method: clinical testing. Allele origin: germline.

NM_014290.3(TDRD7):c.1694C>T (p.Pro565Leu)

Gene: TDRD7 (tudor domain containing 7; plus strand). Cytogenetic location: 9q22.33.
Variant type: single nucleotide variant.
Coding change: c.1694C>T on transcript NM_014290.3 (MANE Select); coding-DNA position 1694, C replaced by T.
Protein change: p.Pro565Leu; replaces proline 565 with leucine.
Molecular consequence: missense variant.
Genome position (GRCh38, 1-based): chr9:97,470,622, C>T. VCF-style: chr9-97470622-C-T. GRCh37 (hg19) VCF-style: chr9-100232904-C-T.
Other names: c.1472C>T, p.Pro491Leu (NM_001302884.2); short protein forms P491L, P565L.
Identifiers: ClinVar variation 912661 (VCV000912661.5), dbSNP rs148718632, ClinGen allele CA5146714.